The following is an entry in ClinVar:

ClinVar aggregate classification (germline): Likely benign (0 of 4 stars; one submission).

Conditions:
MUC16-related disorder. Also called: MUC16-related condition.

Submission:

PreventionGenetics, part of Exact Sciences
Classification: Likely benign for MUC16-related condition. Last evaluated: 2022-11-30. Review status: no assertion criteria provided. Collection method: clinical testing. Allele origin: germline.
Comment: This variant is classified as likely benign based on ACMG/AMP sequence variant interpretation guidelines (Richards et al. 2015 PMID: 25741868, with internal and published modifications).

NM_001401501.2(MUC16):c.40836+10G>T

Gene: MUC16 (mucin 16, cell surface associated; minus strand). Cytogenetic location: 19p13.2.
Variant type: single nucleotide variant.
Coding change: c.40836+10G>T on transcript NM_001401501.2 (MANE Select); 10 bases into the intron after coding-DNA position 40836, G replaced by T.
Molecular consequence: intron variant.
Genome position (GRCh38, 1-based): chr19:8,889,461, C>A on the plus strand (G>T on the coding strand, the complement: MUC16 is on the minus strand). VCF-style: chr19-8889461-C-A. GRCh37 (hg19) VCF-style: chr19-9000137-C-A.
Other names: c.41262+10G>T (NM_001414686.1); c.40716+10G>T (NM_001414687.1); c.40610+10G>T (NM_024690.2).
Identifiers: ClinVar variation 3058170 (VCV003058170.2), dbSNP rs1202044718, ClinGen allele CA631396173.